The following is an entry in ClinVar:

NM_198060.4(NRAP):c.245C>T (p.Ala82Val)

Gene: NRAP (nebulin related anchoring protein; minus strand). Cytogenetic location: 10q25.3.
Variant type: single nucleotide variant.
Coding change: c.245C>T on transcript NM_198060.4 (MANE Select); coding-DNA position 245, C replaced by T.
Protein change: p.Ala82Val; replaces alanine 82 with valine.
Molecular consequence: missense variant.
Genome position (GRCh38, 1-based): chr10:113,662,689, G>A on the plus strand (C>T on the coding strand, the complement: NRAP is on the minus strand). VCF-style: chr10-113662689-G-A. GRCh37 (hg19) VCF-style: chr10-115422448-G-A.
Other names: c.245C>T, p.Ala82Val (NM_001261463.2, NM_001322945.2, NM_006175.5); c.245C>T (NM_198060.3); short protein forms A82V.
Identifiers: ClinVar variation 768390 (VCV000768390.8), dbSNP rs115585400, ClinGen allele CA5696008.

ClinVar aggregate classification (germline): Benign/Likely benign. Review status: criteria provided, multiple submitters, no conflicts (2 of 4 stars). 4 submissions from 4 submitters: Benign (2); Likely benign (1). 1 of the submissions does not count toward it. Last evaluated 2025-04-09.

Conditions:
NRAP-related disorder. Also called: NRAP-related condition.

Allele frequency attached by ClinVar (database versions not stated): 1000 Genomes Project 0.01298; gnomAD 0.01316; 1000 Genomes Project 30x 0.01327; TOPMed 0.01570; ESP Exome Variant Server 0.01784.
gnomAD v4.1: 4,139 of 1,555,126 alleles (0.27%); highest among the groups gnomAD compares: African/African-American, 4.6%; 92 homozygotes.

Submissions (4):

Molecular Diagnostic Laboratory for Inherited Cardiovascular Disease, Montreal Heart Institute
Classification: Likely benign. Last evaluated: 2025-04-09. Review status: criteria provided, single submitter. Criteria: ACMG Guidelines, 2015. Collection method: clinical testing. Allele origin: germline. Affected: no.

Labcorp Genetics (formerly Invitae), Labcorp
Classification: Benign. Last evaluated: 2019-12-31. Review status: criteria provided, single submitter. Criteria: Invitae Variant Classification Sherloc (09022015). Collection method: clinical testing. Allele origin: germline.

Breakthrough Genomics
Classification: Benign. Review status: criteria provided, single submitter. Criteria: ACMG Guidelines, 2015. Collection method: not provided. Allele origin: germline. Inheritance: Unknown mechanism. Affected: yes.

PreventionGenetics, part of Exact Sciences
Classification: Benign for NRAP-related condition. Last evaluated: 2019-02-21. Review status: no assertion criteria provided. Collection method: clinical testing. Allele origin: germline. Not counted in ClinVar's aggregate classification.
Comment: This variant is classified as benign based on ACMG/AMP sequence variant interpretation guidelines (Richards et al. 2015 PMID: 25741868, with internal and published modifications).